The following is an entry in ClinVar:

ClinVar aggregate classification (germline): Uncertain significance (1 of 4 stars; one submission).

Conditions:
Peutz-Jeghers syndrome (PJS). Also called: Peutz-Jeghers polyposis; Periorificial lentiginosis syndrome; POLYPOSIS, HAMARTOMATOUS INTESTINAL; POLYPS-AND-SPOTS SYNDROME. Identifiers: Orphanet 2869, MedGen C0031269, MeSH D010580, MONDO:0008280, OMIM 175200.

Submission:

Labcorp Genetics (formerly Invitae), Labcorp
Classification: Uncertain significance for Peutz-Jeghers syndrome. Last evaluated: 2025-08-11. Review status: criteria provided, single submitter. Criteria: Invitae Variant Classification Sherloc (09022015). Collection method: clinical testing. Allele origin: germline.
Comment: This sequence change replaces glycine, which is neutral and non-polar, with valine, which is neutral and non-polar, at codon 47 of the STK11 protein (p.Gly47Val). This variant is not present in population databases (gnomAD no frequency). This variant has not been reported in the literature in individuals affected with STK11-related conditions. ClinVar contains an entry for this variant (Variation ID: 2693362). Invitae Evidence Modeling of protein sequence and biophysical properties (such as structural, functional, and spatial information, amino acid conservation, physicochemical variation, residue mobility, and thermodynamic stability) has been performed for this missense variant. However, the output from this modeling did not meet the statistical confidence thresholds required to predict the impact of this variant on STK11 protein function. In summary, the available evidence is currently insufficient to determine the role of this variant in disease. Therefore, it has been classified as a Variant of Uncertain Significance.

NM_000455.5(STK11):c.140G>T (p.Gly47Val)

Gene: STK11 (serine/threonine kinase 11; plus strand). Cytogenetic location: 19p13.3.
Variant type: single nucleotide variant.
Coding change: c.140G>T on transcript NM_000455.5 (MANE Select); coding-DNA position 140, G replaced by T.
Protein change: p.Gly47Val; replaces glycine 47 with valine.
Molecular consequence: missense variant. On other transcripts: non-coding transcript variant (1).
Genome position (GRCh38, 1-based): chr19:1,207,053, G>T. VCF-style: chr19-1207053-G-T. GRCh37 (hg19) VCF-style: chr19-1207052-G-T.
Other names: c.140G>T, p.Gly47Val (NM_001407255.1); short protein forms G47V.
Identifiers: ClinVar variation 2693362 (VCV002693362.3), dbSNP rs866690702, ClinGen allele CA402944039.